The following is an entry in ClinVar:

ClinVar aggregate classification (germline): Uncertain significance (1 of 4 stars; one submission).

Conditions:
Hyperammonemic encephalopathy due to carbonic anhydrase VA deficiency. Also called: Carbonic anhydrase VA deficiency, hyperammonemia due to; Carbonic Anhydrase VA Deficiency. Identifiers: Orphanet 401948, MedGen C4706871, MONDO:0014332, OMIM 615751.

Allele frequency attached by ClinVar (database versions not stated): gnomAD 0.00001; ExAC 0.00002; gnomAD exomes 0.00003.
gnomAD v4.1: 49 of 1,613,786 alleles (0.003%); highest among the groups gnomAD compares: East Asian, 0.0067%; no homozygotes.

Submission:

Labcorp Genetics (formerly Invitae), Labcorp
Classification: Uncertain significance for Hyperammonemic encephalopathy due to carbonic anhydrase VA deficiency. Last evaluated: 2023-05-09. Review status: criteria provided, single submitter. Criteria: Invitae Variant Classification Sherloc (09022015). Collection method: clinical testing. Allele origin: germline.
Comment: In summary, the available evidence is currently insufficient to determine the role of this variant in disease. Therefore, it has been classified as a Variant of Uncertain Significance. Advanced modeling of protein sequence and biophysical properties (such as structural, functional, and spatial information, amino acid conservation, physicochemical variation, residue mobility, and thermodynamic stability) performed at Invitae indicates that this missense variant is expected to disrupt CA5A protein function. This missense change has been observed in individual(s) with clinical features of carbonic anhydrase VA deficiency (PMID: 32381389). This variant is present in population databases (rs760042468, gnomAD 0.006%). This sequence change replaces arginine, which is basic and polar, with tryptophan, which is neutral and slightly polar, at codon 290 of the CA5A protein (p.Arg290Trp).

Literature cited by the submitters: PubMed 32381389.

NM_001739.2(CA5A):c.868C>T (p.Arg290Trp)

Gene: CA5A (carbonic anhydrase 5A; minus strand). Cytogenetic location: 16q24.2.
Variant type: single nucleotide variant.
Coding change: c.868C>T on transcript NM_001739.2 (MANE Select); coding-DNA position 868, C replaced by T.
Protein change: p.Arg290Trp; replaces arginine 290 with tryptophan.
Molecular consequence: missense variant. On other transcripts: non-coding transcript variant (2), intron variant (1).
Genome position (GRCh38, 1-based): chr16:87,888,179, G>A on the plus strand (C>T on the coding strand, the complement: CA5A is on the minus strand). VCF-style: chr16-87888179-G-A. GRCh37 (hg19) VCF-style: chr16-87921785-G-A.
Other names: c.774+3620C>T (NM_001367225.1); short protein forms R290W.
Identifiers: ClinVar variation 2918254 (VCV002918254.2), dbSNP rs760042468, ClinGen allele CA8223232.